The following is an entry in ClinVar:

NM_015158.5(KANK1):c.138C>T (p.Leu46=)

Gene: KANK1 (KN motif and ankyrin repeat domains 1; plus strand). Cytogenetic location: 9p24.3.
Variant type: single nucleotide variant.
Coding change: c.138C>T on transcript NM_015158.5 (MANE Select); coding-DNA position 138, C replaced by T.
Protein change: p.Leu46=; no amino-acid change (leucine 46 retained).
Molecular consequence: synonymous variant. On other transcripts: 5 prime UTR variant (12), non-coding transcript variant (1).
Genome position (GRCh38, 1-based): chr9:710,904, C>T. VCF-style: chr9-710904-C-T. GRCh37 (hg19) VCF-style: chr9-710904-C-T.
Other names: c.138C>T, p.Leu46= (NM_001256876.3, NM_001256877.3, NM_001354331.2 and 2 more transcripts); c.-337C>T (NM_001354333.2, NM_001354335.2, NM_001354336.2 and 9 more transcripts).
Identifiers: ClinVar variation 3251032 (VCV003251032.18), dbSNP rs1474029263.

ClinVar aggregate classification (germline): Likely benign (1 of 4 stars; one submission).

Allele frequency attached by ClinVar (database versions not stated): gnomAD exomes below 0.00001.
gnomAD v4.1: 1 of 1,614,108 alleles (0.000062%); highest among the groups gnomAD compares: East Asian, 0.0022%; no homozygotes.

Submission:

CeGaT Center for Human Genetics Tuebingen
Classification: Likely benign. Last evaluated: 2024-06-01. Review status: criteria provided, single submitter. Criteria: CeGaT Center For Human Genetics Tuebingen Variant Classification Criteria Version 2. Collection method: clinical testing. Allele origin: germline. Affected: yes. Observed: 1 variant allele.
Comment: KANK1: PM2:Supporting, BP4, BP7